The following is an entry in ClinVar:

NM_152564.5(VPS13B):c.2903C>T (p.Pro968Leu)

Gene: VPS13B (vacuolar protein sorting 13 homolog B; plus strand). Cytogenetic location: 8q22.2.
Variant type: single nucleotide variant.
Coding change: c.2903C>T on transcript NM_152564.5 (MANE Select); coding-DNA position 2903, C replaced by T.
Protein change: p.Pro968Leu; replaces proline 968 with leucine.
Molecular consequence: missense variant.
Genome position (GRCh38, 1-based): chr8:99,384,286, C>T. VCF-style: chr8-99384286-C-T. GRCh37 (hg19) VCF-style: chr8-100396514-C-T.
Other names: c.2903C>T, p.Pro968Leu (NM_017890.5); short protein forms P968L.
Identifiers: ClinVar variation 2155302 (VCV002155302.3), dbSNP rs200724624, ClinGen allele CA4823085.

ClinVar aggregate classification (germline): Uncertain significance. Review status: criteria provided, multiple submitters, no conflicts (2 of 4 stars). 2 submissions from 2 submitters: Uncertain significance (2). Last evaluated 2025-08-09.

Conditions:
VPS13B-related disorder. Also called: VPS13B-related condition.
Cohen syndrome (COH1). Also called: PEPPER SYNDROME; Cutis verticis gyrata, retinitis pigmentosa, and sensorineural deafness. Identifiers: Orphanet 193, MedGen C0265223, MONDO:0008999, OMIM 216550.

Allele frequency attached by ClinVar (database versions not stated): TOPMed below 0.00001; gnomAD exomes 0.00001.
gnomAD v4.1: 10 of 1,613,826 alleles (0.00062%); highest among the groups gnomAD compares: Admixed American, 0.0083%; no homozygotes.

Submissions (2):

Labcorp Genetics (formerly Invitae), Labcorp
Classification: Uncertain significance for Cohen syndrome. Last evaluated: 2025-08-09. Review status: criteria provided, single submitter. Criteria: Invitae Variant Classification Sherloc (09022015). Collection method: clinical testing. Allele origin: germline.
Comment: This sequence change replaces proline, which is neutral and non-polar, with leucine, which is neutral and non-polar, at codon 968 of the VPS13B protein (p.Pro968Leu). This variant is present in population databases (rs200724624, gnomAD 0.01%). This variant has not been reported in the literature in individuals affected with VPS13B-related conditions. ClinVar contains an entry for this variant (Variation ID: 2155302). Invitae Evidence Modeling of protein sequence and biophysical properties (such as structural, functional, and spatial information, amino acid conservation, physicochemical variation, residue mobility, and thermodynamic stability) indicates that this missense variant is expected to disrupt VPS13B protein function with a positive predictive value of 80%. In summary, the available evidence is currently insufficient to determine the role of this variant in disease. Therefore, it has been classified as a Variant of Uncertain Significance.

PreventionGenetics, part of Exact Sciences
Classification: Uncertain significance for VPS13B-related condition. Last evaluated: 2025-01-29. Review status: criteria provided, single submitter. Criteria: ACMG Guidelines, 2015. Collection method: clinical testing. Allele origin: germline.
Comment: The VPS13B c.2903C>T variant is predicted to result in the amino acid substitution p.Pro968Leu. To our knowledge, this variant has not been reported in the literature. This variant is reported in 0.014% of alleles in individuals of Latino descent in gnomAD. At this time, the clinical significance of this variant is uncertain due to the absence of conclusive functional and genetic evidence.